The following is an entry in ClinVar:

NM_000245.4(MET):c.1528-19C>T

Gene: MET (MET proto-oncogene, receptor tyrosine kinase; plus strand). Cytogenetic location: 7q31.2.
Variant type: single nucleotide variant.
Coding change: c.1528-19C>T on transcript NM_000245.4 (MANE Select); 19 bases into the intron before coding-DNA position 1528, C replaced by T.
Molecular consequence: intron variant.
Genome position (GRCh38, 1-based): chr7:116,740,833, C>T. VCF-style: chr7-116740833-C-T. GRCh37 (hg19) VCF-style: chr7-116380887-C-T.
Other names: c.1528-19C>T (NM_001127500.3, NM_001324401.3); c.238-19C>T (NM_001324402.2).
Identifiers: ClinVar variation 2728821 (VCV002728821.4), dbSNP rs2116833325, ClinGen allele CA2697557591.

ClinVar aggregate classification (germline): Likely benign. Review status: criteria provided, multiple submitters, no conflicts (2 of 4 stars). 2 submissions from 2 submitters: Likely benign (2). Last evaluated 2024-11-07.

Conditions:
Renal cell carcinoma. Identifiers: Orphanet 217071, MedGen C0007134, MeSH D002292, MONDO:0005086, HP:0005584.
Papillary renal cell carcinoma type 1 (RCCP1). Also called: Renal adenocarcinoma; Renal cell carcinoma 1; Renal cell carcinoma, somatic; RENAL CELL CARCINOMA, PAPILLARY, 1, SOMATIC. Identifiers: Orphanet 47044, MedGen C1336839, OMIM 605074, HP:0011797.

Submissions (2):

Myriad Genetics, Inc.
Classification: Likely benign for Papillary renal cell carcinoma type 1. Last evaluated: 2024-11-07. Review status: criteria provided, single submitter. Criteria: Myriad Autosomal Dominant, Autosomal Recessive and X-Linked Classification Criteria (2023). Collection method: clinical testing. Allele origin: unknown.
Comment: This variant is considered likely benign. This variant is intronic and is not expected to impact mRNA splicing.

Labcorp Genetics (formerly Invitae), Labcorp
Classification: Likely benign for Renal cell carcinoma. Last evaluated: 2023-06-16. Review status: criteria provided, single submitter. Criteria: Invitae Variant Classification Sherloc (09022015). Collection method: clinical testing. Allele origin: germline.